The following is an entry in ClinVar:

NM_015021.3(ZNF292):c.3409A>G (p.Lys1137Glu)

Gene: ZNF292 (zinc finger protein 292; plus strand). Cytogenetic location: 6q14.3.
Variant type: single nucleotide variant.
Coding change: c.3409A>G on transcript NM_015021.3 (MANE Select); coding-DNA position 3409, A replaced by G.
Protein change: p.Lys1137Glu; replaces lysine 1137 with glutamic acid.
Molecular consequence: missense variant.
Genome position (GRCh38, 1-based): chr6:87,257,038, A>G. VCF-style: chr6-87257038-A-G. GRCh37 (hg19) VCF-style: chr6-87966756-A-G.
Other names: c.2989A>G, p.Lys997Glu (NM_001351444.2); short protein forms K997E, K1137E.
Identifiers: ClinVar variation 2213166 (VCV002213166.3), dbSNP rs1045188161, ClinGen allele CA142837296.

ClinVar aggregate classification (germline): Uncertain significance (1 of 4 stars; one submission).

Conditions:
Inborn genetic diseases. Identifiers: MedGen C0950123, MeSH D030342.

Allele frequency attached by ClinVar (database versions not stated): TOPMed 0.00002; gnomAD exomes 0.00002; gnomAD 0.00003.
gnomAD v4.1: 29 of 1,613,598 alleles (0.0018%); highest among the groups gnomAD compares: Non-Finnish European, 0.0024%; no homozygotes.

Submission:

Ambry Genetics
Classification: Uncertain significance for Inborn genetic diseases. Last evaluated: 2025-12-11. Review status: criteria provided, single submitter. Criteria: Ambry Variant Classification Scheme 2023. Collection method: clinical testing. Allele origin: germline.
Comment: The c.3409A>G (p.K1137E) alteration is located in exon 8 (coding exon 8) of the ZNF292 gene. This alteration results from a A to G substitution at nucleotide position 3409, causing the lysine (K) at amino acid position 1137 to be replaced by a glutamic acid (E). Based on data from gnomAD, the G allele has an overall frequency of <0.001% (1/248442) total alleles studied. The highest observed frequency was 0.001% (1/112546) of European (non-Finnish) alleles. Based on insufficient or conflicting evidence, the clinical significance of this alteration remains unclear.